The following is an entry in ClinVar:

NM_000057.4(BLM):c.1231C>A (p.Leu411Ile)

Gene: BLM (BLM RecQ like helicase; plus strand). Cytogenetic location: 15q26.1.
Variant type: single nucleotide variant.
Coding change: c.1231C>A on transcript NM_000057.4 (MANE Select); coding-DNA position 1231, C replaced by A.
Protein change: p.Leu411Ile; replaces leucine 411 with isoleucine.
Molecular consequence: missense variant.
Genome position (GRCh38, 1-based): chr15:90,760,604, C>A. VCF-style: chr15-90760604-C-A. GRCh37 (hg19) VCF-style: chr15-91303834-C-A.
Other names: c.1231C>A, p.Leu411Ile (NM_001287246.2, NM_001287247.2); c.106C>A, p.Leu36Ile (NM_001287248.2); short protein forms L36I, L411I.
Identifiers: ClinVar variation 3223853 (VCV003223853.1), dbSNP rs1567040779, ClinGen allele CA393842609.

ClinVar aggregate classification (germline): Uncertain significance (1 of 4 stars; one submission).

Conditions:
Hereditary cancer-predisposing syndrome. Also called: Tumor predisposition; Hereditary neoplastic syndrome; Hereditary Cancer Syndrome; Neoplastic Syndromes, Hereditary. Identifiers: Orphanet 140162, MedGen C0027672, MeSH D009386, MONDO:0015356.

Submission:

Ambry Genetics
Classification: Uncertain significance for Hereditary cancer-predisposing syndrome. Last evaluated: 2023-11-24. Review status: criteria provided, single submitter. Criteria: Ambry Variant Classification Scheme 2023. Collection method: clinical testing. Allele origin: germline.
Comment: The p.L411I variant (also known as c.1231C>A), located in coding exon 6 of the BLM gene, results from a C to A substitution at nucleotide position 1231. The leucine at codon 411 is replaced by isoleucine, an amino acid with highly similar properties. This amino acid position is conserved. In addition, this alteration is predicted to be tolerated by in silico analysis. Since supporting evidence is limited at this time, the clinical significance of this alteration remains unclear.